The following is an entry in ClinVar:

NM_000444.6(PHEX):c.1885_1888dup (p.Ala630fs)

Genes: PTCHD1-AS (PTCHD1 and PHEX antisense RNA; minus strand), PHEX (phosphate regulating endopeptidase X-linked; plus strand). Cytogenetic location: Xp22.11.
Variant type: Duplication.
Coding change: c.1885_1888dup on transcript NM_000444.6 (MANE Select); coding-DNA positions 1885 to 1888, 4 bases duplicated (AAAG; older notation c.1885_1888dupAAAG).
Protein change: p.Ala630fs; shifts the reading frame from alanine 630.
Molecular consequence: frameshift variant.
Genome position (GRCh38, 1-based): chrX:22,221,729-22,221,732, AAAG duplicated; duplicating any 4 consecutive bases within chrX:22,221,726-22,221,732 gives the same sequence; the c. name uses the placement nearest the transcript's 3' end. VCF-style (leftmost placement, unchanged base first): chrX-22221725-G-GAAGA. GRCh37 (hg19) VCF-style: chrX-22239842-G-GAAGA.
Other names: c.1885_1888dup, p.Ala630fs (NM_001282754.2); short protein forms A630fs.
Identifiers: ClinVar variation 438511 (VCV000438511.8), dbSNP rs1556138742, ClinGen allele CA645509393.

ClinVar aggregate classification (germline): Pathogenic. Review status: criteria provided, multiple submitters, no conflicts (2 of 4 stars). 2 submissions from 2 submitters: Pathogenic (2). Last evaluated 2025-04-26.

Conditions:
Familial X-linked hypophosphatemic vitamin D refractory rickets (XLHRD). Also called: X-Linked Hypophosphatemia; Hypophosphatemic Rickets, X-Linked Dominant; HYPOPHOSPHATEMIC VITAMIN D-RESISTANT RICKETS; Hypophosphatemia, vitamin D-resistant rickets; Vitamin D-resistant rickets, X-linked. Identifiers: Orphanet 89936, MedGen C0733682, MONDO:0010619, OMIM 307800.

Submissions (2):

Labcorp Genetics (formerly Invitae), Labcorp
Classification: Pathogenic. Last evaluated: 2025-04-26. Review status: criteria provided, single submitter. Criteria: Invitae Variant Classification Sherloc (09022015). Collection method: clinical testing. Allele origin: germline.
Comment: This sequence change creates a premature translational stop signal (p.Ala630Glufs*18) in the PHEX gene. It is expected to result in an absent or disrupted protein product. Loss-of-function variants in PHEX are known to be pathogenic (PMID: 9097956, 9106524, 19219621). This variant is not present in population databases (gnomAD no frequency). This variant has not been reported in the literature in individuals affected with PHEX-related conditions. ClinVar contains an entry for this variant (Variation ID: 438511). For these reasons, this variant has been classified as Pathogenic.

Institute of Human Genetics Munich, TUM University Hospital
Classification: Pathogenic for Familial X-linked hypophosphatemic vitamin D refractory rickets. Last evaluated: 2017-08-31. Review status: criteria provided, single submitter. Criteria: Classification criteria August 2017. Collection method: clinical testing. Allele origin: germline. Inheritance: X-linked inheritance. Affected: yes. Observed: 1 heterozygote, 1 hemizygote.

Literature cited by the submitters: PubMed 9097956 (cited by Labcorp Genetics (formerly Invitae), Labcorp); PubMed 9106524 (cited by Labcorp Genetics (formerly Invitae), Labcorp); PubMed 19219621 (cited by Labcorp Genetics (formerly Invitae), Labcorp).